The following is an entry in ClinVar:

NM_019066.5(MAGEL2):c.1651G>A (p.Val551Ile)

Gene: MAGEL2 (MAGE family member L2; minus strand). Cytogenetic location: 15q11.2.
Variant type: single nucleotide variant.
Coding change: c.1651G>A on transcript NM_019066.5 (MANE Select); coding-DNA position 1651, G replaced by A.
Protein change: p.Val551Ile; replaces valine 551 with isoleucine.
Molecular consequence: missense variant.
Genome position (GRCh38, 1-based): chr15:23,646,092, C>T on the plus strand (G>A on the coding strand, the complement: MAGEL2 is on the minus strand). VCF-style: chr15-23646092-C-T. GRCh37 (hg19) VCF-style: chr15-23891239-C-T.
Other names: short protein forms V551I.
Identifiers: ClinVar variation 1313548 (VCV001313548.2), dbSNP rs1303079755, ClinGen allele CA391333605.
Genomic context (GRCh38, chr15:23,646,092, plus strand): 5'-ACAGCGGGGCCGGCAGCACAGGCTGGGGCACCTGCGGGCCAGCGGGCGGCGCCGCGGGTA[C>T]CTGCGTAGCAGGTGGGGCCGTAGGCACCTGCGGCGCCGCCTGCACCTGCGGGGCCGGCAG-3'
Protein context (NP_061939.3, residues 541-561): QVPTAPPATQ[Val551Ile]PAAPPAGPQV

ClinVar aggregate classification (germline): Uncertain significance (1 of 4 stars; one submission).

gnomAD v4.1: 3 of 1,443,698 alleles (0.00021%); highest among the groups gnomAD compares: Non-Finnish European, 0.00027%; no homozygotes.

Submission:

GeneDx
Classification: Uncertain significance. Last evaluated: 2020-10-16. Review status: criteria provided, single submitter. Criteria: GeneDx Variant Classification Process June 2021. Collection method: clinical testing. Allele origin: germline. Affected: yes.
Comment: In silico analysis supports that this missense variant does not alter protein structure/function; Has not been previously published as pathogenic or benign to our knowledge